The following is an entry in ClinVar:

ClinVar aggregate classification (germline): Uncertain significance (1 of 4 stars; one submission).

Allele frequency attached by ClinVar (database versions not stated): gnomAD exomes below 0.00001; TOPMed below 0.00001; ExAC 0.00001.

Submission:

Labcorp Genetics (formerly Invitae), Labcorp
Classification: Uncertain significance. Last evaluated: 2022-11-16. Review status: criteria provided, single submitter. Criteria: Invitae Variant Classification Sherloc (09022015). Collection method: clinical testing. Allele origin: germline.
Comment: In summary, the available evidence is currently insufficient to determine the role of this variant in disease. Therefore, it has been classified as a Variant of Uncertain Significance. Algorithms developed to predict the effect of missense changes on protein structure and function are either unavailable or do not agree on the potential impact of this missense change (SIFT: "Not Available"; PolyPhen-2: "Benign"; Align-GVGD: "Not Available"). This variant has not been reported in the literature in individuals affected with GUCA1A-related conditions. This variant is present in population databases (rs747278220, gnomAD 0.0009%). This sequence change replaces glutamine, which is neutral and polar, with arginine, which is basic and polar, at codon 161 of the GUCA1A protein (p.Gln161Arg).

NM_001384910.1(GUCA1A):c.482A>G (p.Gln161Arg)

Genes: GUCA1A (guanylate cyclase activator 1A; plus strand), GUCA1ANB-GUCA1A (GUCA1ANB-GUCA1A readthrough; plus strand). Cytogenetic location: 6p21.1.
Variant type: single nucleotide variant.
Coding change: c.482A>G on transcript NM_001384910.1 (MANE Select); coding-DNA position 482, A replaced by G.
Protein change: p.Gln161Arg; replaces glutamine 161 with arginine.
Molecular consequence: missense variant.
Genome position (GRCh38, 1-based): chr6:42,179,279, A>G. VCF-style: chr6-42179279-A-G. GRCh37 (hg19) VCF-style: chr6-42147017-A-G.
Other names: c.482A>G, p.Gln161Arg (NM_000409.5, NM_001319061.2, NM_001319062.2); short protein forms Q161R.
Identifiers: ClinVar variation 2800580 (VCV002800580.3), dbSNP rs747278220, ClinGen allele CA3805427.